The following is an entry in ClinVar:

NM_001382391.1(CSPP1):c.2813A>G (p.Asp938Gly)

Gene: CSPP1 (centrosome and spindle pole associated protein 1; plus strand). Cytogenetic location: 8q13.2.
Variant type: single nucleotide variant.
Coding change: c.2813A>G on transcript NM_001382391.1 (MANE Select); coding-DNA position 2813, A replaced by G.
Protein change: p.Asp938Gly; replaces aspartic acid 938 with glycine.
Molecular consequence: missense variant.
Genome position (GRCh38, 1-based): chr8:67,164,493, A>G. VCF-style: chr8-67164493-A-G. GRCh37 (hg19) VCF-style: chr8-68076728-A-G.
Other names: p.Asp933Gly; c.1763A>G, p.Asp588Gly (NM_001291339.2); c.2732A>G, p.Asp911Gly (NM_001363131.2); c.2618A>G, p.Asp873Gly (NM_001363132.2); c.2537A>G, p.Asp846Gly (NM_001363133.2); c.2879A>G, p.Asp960Gly (NM_001364869.1); c.2699A>G, p.Asp900Gly (NM_001364870.1); c.2798A>G, p.Asp933Gly (NM_024790.7); short protein forms D873G, D900G, D588G, D911G, D960G, D933G, D846G, D938G.
Identifiers: ClinVar variation 642418 (VCV000642418.6), dbSNP rs1282726257, ClinGen allele CA371193523.

ClinVar aggregate classification (germline): Uncertain significance. Review status: criteria provided, multiple submitters, no conflicts (2 of 4 stars). 2 submissions from 2 submitters: Uncertain significance (2). Last evaluated 2023-02-14.

Conditions:
Joubert syndrome 21 (JBTS21). Identifiers: MedGen C3810212, MONDO:0014288, OMIM 615636.

Allele frequency attached by ClinVar (database versions not stated): gnomAD exomes 0.00001.
gnomAD v4.1: 7 of 1,545,848 alleles (0.00045%); highest among the groups gnomAD compares: African/African-American, 0.0014%; no homozygotes.

Submissions (2):

Mayo Clinic Laboratories, Mayo Clinic
Classification: Uncertain significance. Last evaluated: 2023-02-14. Review status: criteria provided, single submitter. Criteria: ACMG Guidelines, 2015. Collection method: clinical testing. Allele origin: germline. Observed: 1 variant allele.
Comment: BP4

Labcorp Genetics (formerly Invitae), Labcorp
Classification: Uncertain significance for Joubert syndrome 21. Last evaluated: 2022-02-04. Review status: criteria provided, single submitter. Criteria: Invitae Variant Classification Sherloc (09022015). Collection method: clinical testing. Allele origin: germline.
Comment: This sequence change replaces aspartic acid, which is acidic and polar, with glycine, which is neutral and non-polar, at codon 933 of the CSPP1 protein (p.Asp933Gly). This variant is present in population databases (no rsID available, gnomAD 0.002%). This variant has not been reported in the literature in individuals affected with CSPP1-related conditions. ClinVar contains an entry for this variant (Variation ID: 642418). Algorithms developed to predict the effect of missense changes on protein structure and function are either unavailable or do not agree on the potential impact of this missense change (SIFT: "Tolerated"; PolyPhen-2: "Possibly Damaging"; Align-GVGD: "Class C0"). Algorithms developed to predict the effect of sequence changes on RNA splicing suggest that this variant may create or strengthen a splice site. In summary, the available evidence is currently insufficient to determine the role of this variant in disease. Therefore, it has been classified as a Variant of Uncertain Significance.